The following is an entry in ClinVar:

NM_033343.4(LHX4):c.*445G>T

Genes: ACBD6 (acyl-CoA binding domain containing 6; minus strand), LHX4 (LIM homeobox 4; plus strand). Cytogenetic location: 1q25.2.
Variant type: single nucleotide variant.
Coding change: c.*445G>T on transcript NM_033343.4 (MANE Select); 445 bases downstream of the stop codon, G replaced by T.
Molecular consequence: 3 prime UTR variant.
Genome position (GRCh38, 1-based): chr1:180,275,024, G>T. VCF-style: chr1-180275024-G-T. GRCh37 (hg19) VCF-style: chr1-180244159-G-T.
Identifiers: ClinVar variation 293881 (VCV000293881.5), dbSNP rs57069480, ClinGen allele CA10608869.

ClinVar aggregate classification (germline): Benign (1 of 4 stars; one submission).

Conditions:
Short stature-pituitary and cerebellar defects-small sella turcica syndrome (CPHD4). Also called: Pituitary hormone deficiency, combined with or without cerebellar defects; Short stature, pituitary and cerebellar defects and small sella turcica. Identifiers: Orphanet 85442, MedGen C2678408, MONDO:0009880, OMIM 262700.

Allele frequency attached by ClinVar (database versions not stated): gnomAD exomes 0.00067; gnomAD 0.00571 and 0.00607; 1000 Genomes Project 30x 0.00593; 1000 Genomes Project 0.00599; TOPMed 0.00639.
gnomAD v4.1: 864 of 158,610 alleles (0.54%); highest among the groups gnomAD compares: African/African-American, 1.9%; 6 homozygotes.

Submission:

Illumina Laboratory Services, Illumina
Classification: Benign for Short stature-pituitary and cerebellar defects-small sella turcica syndrome. Last evaluated: 2018-01-13. Review status: criteria provided, single submitter. Criteria: ICSL Variant Classification Criteria 13 December 2019. Collection method: clinical testing. Allele origin: germline.
Comment: This variant was observed in the ICSL laboratory as part of a predisposition screen in an ostensibly healthy population. It had not been previously curated by ICSL or reported in the Human Gene Mutation Database (HGMD: prior to June 1st, 2018), and was therefore a candidate for classification through an automated scoring system. Utilizing variant allele frequency, disease prevalence and penetrance estimates, and inheritance mode, an automated score was calculated to assess if this variant is too frequent to cause the disease. Based on the score and internal cut-off values, a variant classified as benign is not then subjected to further curation. The score for this variant resulted in a classification of benign for this disease.